The following is an entry in ClinVar:

ClinVar aggregate classification (germline): Uncertain significance (1 of 4 stars; one submission).

gnomAD v4.1: 25 of 1,613,174 alleles (0.0015%); highest among the groups gnomAD compares: East Asian, 0.018%; no homozygotes.

Submission:

Labcorp Genetics (formerly Invitae), Labcorp
Classification: Uncertain significance. Last evaluated: 2021-09-06. Review status: criteria provided, single submitter. Criteria: Invitae Variant Classification Sherloc (09022015). Collection method: clinical testing. Allele origin: germline.
Comment: This sequence change replaces aspartic acid with asparagine at codon 63 of the ECHS1 protein (p.Asp63Asn). The aspartic acid residue is weakly conserved and there is a small physicochemical difference between aspartic acid and asparagine. This variant is present in population databases (rs763796581, ExAC 0.01%). This variant has not been reported in the literature in individuals affected with ECHS1-related conditions. Advanced modeling of protein sequence and biophysical properties (such as structural, functional, and spatial information, amino acid conservation, physicochemical variation, residue mobility, and thermodynamic stability) performed at Invitae indicates that this missense variant is not expected to disrupt ECHS1 protein function. In summary, the available evidence is currently insufficient to determine the role of this variant in disease. Therefore, it has been classified as a Variant of Uncertain Significance.

NM_004092.4(ECHS1):c.187G>A (p.Asp63Asn)

Gene: ECHS1 (enoyl-CoA hydratase, short chain 1; minus strand). Cytogenetic location: 10q26.3.
Variant type: single nucleotide variant.
Coding change: c.187G>A on transcript NM_004092.4 (MANE Select); coding-DNA position 187, G replaced by A.
Protein change: p.Asp63Asn; replaces aspartic acid 63 with asparagine.
Molecular consequence: missense variant.
Genome position (GRCh38, 1-based): chr10:133,370,659, C>T on the plus strand (G>A on the coding strand, the complement: ECHS1 is on the minus strand). VCF-style: chr10-133370659-C-T. GRCh37 (hg19) VCF-style: chr10-135184163-C-T.
Other names: short protein forms D63N.
Identifiers: ClinVar variation 1441402 (VCV001441402.3), dbSNP rs763796581, ClinGen allele CA5765855.